The following is an entry in ClinVar:

ClinVar aggregate classification (germline): Uncertain significance (1 of 4 stars; one submission).

Conditions:
Hereditary cancer-predisposing syndrome. Also called: Hereditary Cancer Syndrome; Neoplastic Syndromes, Hereditary; Tumor predisposition; Hereditary neoplastic syndrome. Identifiers: Orphanet 140162, MedGen C0027672, MeSH D009386, MONDO:0015356.

Allele frequency attached by ClinVar (database versions not stated): gnomAD exomes below 0.00001.

Submission:

Color Diagnostics, LLC DBA Color Health
Classification: Uncertain significance for Hereditary cancer-predisposing syndrome. Last evaluated: 2023-12-05. Review status: criteria provided, single submitter. Criteria: ACMG Guidelines, 2015. Collection method: clinical testing. Allele origin: germline.
Comment: This missense variant replaces glycine with alanine at codon 443 of the MSH6 protein. Computational prediction suggests that this variant may have deleterious impact on protein structure and function (internally defined REVEL score threshold >= 0.7, PMID: 27666373). To our knowledge, functional studies have not been reported for this variant. This variant has not been reported in individuals affected with MSH6-related disorders in the literature. This variant has not been identified in the general population by the Genome Aggregation Database (gnomAD). The available evidence is insufficient to determine the role of this variant in disease conclusively. Therefore, this variant is classified as a Variant of Uncertain Significance.

NM_000179.3(MSH6):c.1328G>C (p.Gly443Ala)

Gene: MSH6 (mutS homolog 6; plus strand). Cytogenetic location: 2p16.3.
Variant type: single nucleotide variant.
Coding change: c.1328G>C on transcript NM_000179.3 (MANE Select); coding-DNA position 1328, G replaced by C.
Protein change: p.Gly443Ala; replaces glycine 443 with alanine.
Molecular consequence: missense variant.
Genome position (GRCh38, 1-based): chr2:47,799,311, G>C. VCF-style: chr2-47799311-G-C. GRCh37 (hg19) VCF-style: chr2-48026450-G-C.
Other names: c.938G>C, p.Gly313Ala (NM_001281492.2); c.422G>C, p.Gly141Ala (NM_001281493.2, NM_001281494.2); short protein forms G443A, G141A, G313A.
Identifiers: ClinVar variation 489963 (VCV000489963.6), dbSNP rs1553412757, ClinGen allele CA346744500.
Genomic context (GRCh38, chr2:47,799,311, plus strand): 5'-TTGTCATCTGTTACAAGGTGGGGAAATTTTATGAGCTGTACCACATGGATGCTCTTATTG[G>C]AGTCAGTGAACTGGGGCTGGTATTCATGAAAGGCAACTGGGCCCATTCTGGCTTTCCTGA-3'
Protein context (NP_000170.1, residues 433-453): YELYHMDALI[Gly443Ala]VSELGLVFMK